The following is an entry in ClinVar:

NM_000419.5(ITGA2B):c.1879-5del

Gene: ITGA2B (integrin subunit alpha 2b; minus strand). Cytogenetic location: 17q21.31.
Variant type: Deletion.
Coding change: c.1879-5del on transcript NM_000419.5 (MANE Select); 5 bases into the intron before coding-DNA position 1879, one base deleted (T; older notation c.1879-5delT).
Molecular consequence: intron variant.
Genome position (GRCh38, 1-based): chr17:44,378,715, A deleted on the plus strand (T on the coding strand, the reverse complement: ITGA2B is on the minus strand). VCF-style (leftmost placement, unchanged base first): chr17-44378714-GA-G. GRCh37 (hg19) VCF-style: chr17-42456082-GA-G.
Other names: c.1879-5delT (NM_000419.5).
Identifiers: ClinVar variation 2760354 (VCV002760354.5), dbSNP rs955851548, ClinGen allele CA290949033.

ClinVar aggregate classification (germline): Conflicting classifications of pathogenicity. Review status: criteria provided, conflicting classifications (1 of 4 stars). 3 submissions from 3 submitters: Uncertain significance (2); Likely benign (1). Last evaluated 2025-12-08.

Conditions:
Glanzmann thrombasthenia. Also called: PLATELET GLYCOPROTEIN IIb-IIIa DEFICIENCY; THROMBASTHENIA OF GLANZMANN AND NAEGELI; Thrombasthenia; Glanzmann's thrombasthenia. Identifiers: Orphanet 849, MedGen C0040015, MONDO:0100326.

Allele frequency attached by ClinVar (database versions not stated): gnomAD 0.00001; gnomAD exomes 0.00001; TOPMed 0.00001.

Submissions (3):

Labcorp Genetics (formerly Invitae), Labcorp
Classification: Likely benign for Glanzmann thrombasthenia. Last evaluated: 2025-12-08. Review status: criteria provided, single submitter. Criteria: Invitae Variant Classification Sherloc (09022015). Collection method: clinical testing. Allele origin: germline.

Women's Health and Genetics/Laboratory Corporation of America, LabCorp
Classification: Uncertain significance. Last evaluated: 2025-02-10. Review status: criteria provided, single submitter. Criteria: LabCorp Variant Classification Summary - May 2015. Collection method: clinical testing. Allele origin: germline.
Comment: Variant summary: ITGA2B c.1879-5delT alters a nucleotide located close to a canonical splice site and therefore could affect mRNA splicing, leading to a significantly altered protein sequence. Several computational tools predict a significant impact on normal splicing: one predicts the variant abolishes a 3' acceptor site, while two predict the variant weakens a 3' acceptor site. However, these predictions have yet to be confirmed by functional studies. The variant was absent in 161094 control chromosomes (gnomAD v2.1). The available data on variant occurrences in the general population are insufficient to allow any conclusion about variant significance. To our knowledge, no occurrence of c.1879-5delT in individuals affected with ITGA2B-Related Disorders and no experimental evidence demonstrating its impact on protein function have been reported. ClinVar contains an entry for this variant (Variation ID: 2760354). Based on the evidence outlined above, the variant was classified as uncertain significance.

Blueprint Genetics
Classification: Uncertain significance. Last evaluated: 2024-10-03. Review status: criteria provided, single submitter. Criteria: ACMG Guidelines, 2015. Collection method: clinical testing. Allele origin: germline.